The following is an entry in ClinVar:

NM_001009999.3(KDM1A):c.53C>A (p.Ala18Glu)

Gene: KDM1A (lysine demethylase 1A; plus strand). Cytogenetic location: 1p36.12.
Variant type: single nucleotide variant.
Coding change: c.53C>A on transcript NM_001009999.3 (MANE Select); coding-DNA position 53, C replaced by A.
Protein change: p.Ala18Glu; replaces alanine 18 with glutamic acid.
Molecular consequence: missense variant.
Genome position (GRCh38, 1-based): chr1:23,019,649, C>A. VCF-style: chr1-23019649-C-A. GRCh37 (hg19) VCF-style: chr1-23346142-C-A.
Other names: c.53C>A, p.Ala18Glu (NM_001363654.2, NM_001410762.1, NM_001410763.1 and 1 more transcripts); short protein forms A18E.
Identifiers: ClinVar variation 4826128 (VCV004826128.1).
Genomic context (GRCh38, chr1:23,019,649, plus strand): 5'-GGCCCGAGATGTTATCTGGGAAGAAGGCGGCAGCCGCGGCGGCGGCGGCTGCAGCGGCAG[C>A]AACCGGGACGGAGGCTGGCCCTGGGACAGCAGGCGGCTCCGAGAACGGGTCTGAGGTGGC-3'
Protein context (NP_001009999.1, residues 8-28): AAAAAAAAAA[Ala18Glu]TGTEAGPGTA

ClinVar aggregate classification (germline): Uncertain significance (1 of 4 stars; one submission).

Conditions:
Inborn genetic diseases. Identifiers: MedGen C0950123, MeSH D030342.

gnomAD v4.1: 1 of 1,410,300 alleles (0.000071%); highest among the groups gnomAD compares: Non-Finnish European, 0.000092%; no homozygotes.

Submission:

Ambry Genetics
Classification: Uncertain significance for Inborn genetic diseases. Last evaluated: 2026-03-12. Review status: criteria provided, single submitter. Criteria: Ambry Variant Classification Scheme 2023. Collection method: clinical testing. Allele origin: germline.
Comment: The p.A18E variant (also known as c.53C>A), located in coding exon 1 of the KDM1A gene, results from a C to A substitution at nucleotide position 53. The alanine at codon 18 is replaced by glutamic acid, an amino acid with dissimilar properties. This amino acid position is conserved. In addition, this alteration is predicted to be tolerated by in silico analysis. Based on the available evidence, the clinical significance of this variant remains unclear.